The following is an entry in ClinVar:

NM_000500.9(CYP21A2):c.874G>A (p.Gly292Ser)

Genes: CYP21A2 (cytochrome P450 family 21 subfamily A member 2; plus strand), LOC106780800 (CYP21A2 recombination region; plus strand). Cytogenetic location: 6p21.33.
Variant type: single nucleotide variant.
Coding change: c.874G>A on transcript NM_000500.9 (MANE Select); coding-DNA position 874, G replaced by A.
Protein change: p.Gly292Ser; replaces glycine 292 with serine.
Molecular consequence: missense variant.
Genome position (GRCh38, 1-based): chr6:32,040,140, G>A. VCF-style: chr6-32040140-G-A. GRCh37 (hg19) VCF-style: chr6-32007917-G-A.
Other names: c.784G>A, p.Gly262Ser (NM_001128590.4); c.469G>A, p.Gly157Ser (NM_001368143.2, NM_001368144.2); short protein forms G292S, G157S, G262S.
Identifiers: ClinVar variation 12156 (VCV000012156.11), dbSNP rs201552310, ClinGen allele CA256231.
Genomic context (GRCh38, chr6:32,040,140, plus strand): 5'-GAGGGCTCTGGACAGCTCCTGGAAGGGCACGTGCACATGGCTGCAGTGGACCTCCTGATC[G>A]GTGGCACTGAGACCACAGCAAACACCCTCTCCTGGGCCGTGGTTTTTTTGCTTCACCACC-3'
Protein context (NP_000491.4, residues 282-302): VHMAAVDLLI[Gly292Ser]GTETTANTLS

ClinVar aggregate classification (germline): Pathogenic/Likely pathogenic. Review status: criteria provided, multiple submitters, no conflicts (2 of 4 stars). 5 submissions from 5 submitters: Pathogenic (3); Likely pathogenic (1). 1 of the submissions does not count toward it. Last evaluated 2026-09-22.

Conditions:
CYP21A2-related disorder. Also called: CYP21A2-related condition.
21-Hydroxylase-Deficient Congenital Adrenal Hyperplasia. Also called: ADRENAL HYPERPLASIA, CONGENITAL, DUE TO 21-HYDROXYLASE DEFICIENCY; ADRENAL HYPERPLASIA III. Identifiers: MedGen C2936858, OMIM 201910.

gnomAD v4.1: 4 of 1,612,734 alleles (0.00025%); highest among the groups gnomAD compares: East Asian, 0.0022%; no homozygotes.

Submissions (5):

PreventionGenetics, part of Exact Sciences
Classification: Pathogenic for CYP21A2-related condition. Last evaluated: 2026-09-22. Review status: criteria provided, single submitter. Criteria: ACMG Guidelines, 2015. Collection method: clinical testing. Allele origin: germline.
Comment: The CYP21A2 c.874G>A variant is predicted to result in the amino acid substitution p.Gly292Ser. Also known as G291S in legacy nomenclature, this variant has been reported in individuals with congenital adrenal hyperplasia (CAH) and is associated with salt-wasting (SW) CAH likely due to disruption of heme and/or substrate binding (see for example, Wedell et al. 1992. PubMed ID: 1496017; functional study in Wang et al. 2017. PubMed ID: 28539365; in silico structure-phenotype correlation study in Haider et al. 2013. PubMed ID: 23359706; in silico three-dimensional structure analysis in Zhao et al. 2012. PubMed ID: 22262854). This variant is reported in 0.0055% of alleles in individuals of East Asian descent in gnomAD. This variant falls within a highly paralogous region. Allele frequency data should be interpreted with caution. This variant is interpreted as pathogenic.

Labcorp Genetics (formerly Invitae), Labcorp
Classification: Pathogenic. Last evaluated: 2026-01-22. Review status: criteria provided, single submitter. Criteria: Invitae Variant Classification Sherloc (09022015). Collection method: clinical testing. Allele origin: germline.
Comment: This sequence change replaces glycine, which is neutral and non-polar, with serine, which is neutral and polar, at codon 292 of the CYP21A2 protein (p.Gly292Ser). The frequency data for this variant in the population databases (gnomAD) is considered unreliable due to the presence of homologous sequence, such as pseudogenes or paralogs, in the genome. This missense change has been observed in individual(s) with salt-wasting and simple virilizing congenital adrenal hyperplasia due to 21-hydroxylase deficiency (PMID: 9497336, 26206692, 34821488). In at least one individual the data is consistent with being in trans (on the opposite chromosome) from a pathogenic variant. It has also been observed to segregate with disease in related individuals. ClinVar contains an entry for this variant (Variation ID: 12156). Invitae Evidence Modeling of protein sequence and biophysical properties (such as structural, functional, and spatial information, amino acid conservation, physicochemical variation, residue mobility, and thermodynamic stability) has been performed for this missense variant. However, the output from this modeling did not meet the statistical confidence thresholds required to predict the impact of this variant on CYP21A2 protein function. Experimental studies have shown that this missense change affects CYP21A2 function (PMID: 9497336, 28539365). This variant disrupts the p.Gly292 amino acid residue in CYP21A2. Other variant(s) that disrupt this residue have been observed in individuals with CYP21A2-related conditions (PMID: 10364682, 12915679), which suggests that this may be a clinically significant amino acid residue. For these reasons, this variant has been classified as Pathogenic.

Clinical Genetics and Genomics, Karolinska University Hospital
Classification: Likely pathogenic. Last evaluated: 2018-06-01. Review status: criteria provided, single submitter. Criteria: ACMG Guidelines, 2015. Collection method: clinical testing. Allele origin: germline. Affected: yes. Observed: 1 variant allele.

Athena Diagnostics
Classification: Pathogenic. Last evaluated: 2018-01-03. Review status: criteria provided, single submitter. Criteria: Athena Diagnostics Criteria. Collection method: clinical testing. Allele origin: germline.

OMIM
Classification: Pathogenic for ADRENAL HYPERPLASIA, CONGENITAL, DUE TO 21-HYDROXYLASE DEFICIENCY, SALT-WASTING TYPE. Last evaluated: 1992-08-01. Review status: no assertion criteria provided. Collection method: literature only. Allele origin: germline. Not counted in ClinVar's aggregate classification.

Literature cited by the submitters: PubMed 9497336 (cited by Labcorp Genetics (formerly Invitae), Labcorp and Athena Diagnostics); PubMed 26206692 (cited by Labcorp Genetics (formerly Invitae), Labcorp and Athena Diagnostics); PubMed 34821488 (cited by Labcorp Genetics (formerly Invitae), Labcorp); PubMed 28539365 (cited by Labcorp Genetics (formerly Invitae), Labcorp and Athena Diagnostics); PubMed 10364682 (cited by Labcorp Genetics (formerly Invitae), Labcorp); PubMed 12915679 (cited by Labcorp Genetics (formerly Invitae), Labcorp); PubMed 1496017 (cited by Athena Diagnostics and OMIM); PubMed 22262854 (cited by Athena Diagnostics); PubMed 18478071 (cited by Athena Diagnostics); PubMed 20661889 (cited by Athena Diagnostics); PubMed 20080860 (cited by Athena Diagnostics); PubMed 19531083 (cited by Athena Diagnostics); PubMed 17803691 (cited by Athena Diagnostics); PubMed 24622265 (cited by Athena Diagnostics); PubMed 27082632 (cited by Athena Diagnostics); PubMed 10792340 (cited by Athena Diagnostics).